The following is an entry in ClinVar:

NM_033380.3(COL4A5):c.3246G>C (p.Lys1082Asn)

Gene: COL4A5 (collagen type IV alpha 5 chain; plus strand). Cytogenetic location: Xq22.3.
Variant type: single nucleotide variant.
Coding change: c.3246G>C on transcript NM_033380.3 (MANE Select); coding-DNA position 3246, G replaced by C.
Protein change: p.Lys1082Asn; replaces lysine 1082 with asparagine.
Molecular consequence: missense variant.
Genome position (GRCh38, 1-based): chrX:108,626,349, G>C. VCF-style: chrX-108626349-G-C. GRCh37 (hg19) VCF-style: chrX-107869579-G-C.
Other names: c.3246G>C, p.Lys1082Asn (NM_000495.5); short protein forms K1082N.
Identifiers: ClinVar variation 3647518 (VCV003647518.2).

ClinVar aggregate classification (germline): Uncertain significance (1 of 4 stars; one submission).

Submission:

Labcorp Genetics (formerly Invitae), Labcorp
Classification: Uncertain significance. Last evaluated: 2024-03-24. Review status: criteria provided, single submitter. Criteria: Invitae Variant Classification Sherloc (09022015). Collection method: clinical testing. Allele origin: germline.
Comment: This sequence change replaces lysine, which is basic and polar, with asparagine, which is neutral and polar, at codon 1082 of the COL4A5 protein (p.Lys1082Asn). This variant also falls at the last nucleotide of exon 36, which is part of the consensus splice site for this exon. This variant is not present in population databases (gnomAD no frequency). This missense change has been observed in individual(s) with Alport syndrome (Invitae). Experimental studies and prediction algorithms are not available or were not evaluated, and the functional significance of this variant is currently unknown. Variants that disrupt the consensus splice site are a relatively common cause of aberrant splicing (PMID: 17576681, 9536098). Algorithms developed to predict the effect of sequence changes on RNA splicing suggest that this variant may disrupt the consensus splice site. In summary, the available evidence is currently insufficient to determine the role of this variant in disease. Therefore, it has been classified as a Variant of Uncertain Significance.

Literature cited by the submitters: PubMed 17576681; PubMed 9536098.